The following is an entry in ClinVar:

NM_000426.4(LAMA2):c.8244+1G>A

Gene: LAMA2 (laminin subunit alpha 2; plus strand). Cytogenetic location: 6q22.33.
Variant type: single nucleotide variant.
Coding change: c.8244+1G>A on transcript NM_000426.4 (MANE Select); the canonical splice donor site of the intron after coding-DNA position 8244, G replaced by A.
Molecular consequence: splice donor variant.
Genome position (GRCh38, 1-based): chr6:129,492,484, G>A. VCF-style: chr6-129492484-G-A. GRCh37 (hg19) VCF-style: chr6-129813629-G-A.
Other names: c.8232+1G>A (NM_001079823.2).
Identifiers: ClinVar variation 550992 (VCV000550992.30), dbSNP rs749522728, ClinGen allele CA3994771.

ClinVar aggregate classification (germline): Pathogenic/Likely pathogenic. Review status: criteria provided, multiple submitters, no conflicts (2 of 4 stars). 11 submissions from 11 submitters: Pathogenic (9); Likely pathogenic (1). 1 of the submissions does not count toward it. Last evaluated 2026-03-30.

Conditions:
Merosin deficient congenital muscular dystrophy (MDC1A). Also called: Congenital merosin-deficient muscular dystrophy 1A; Congenital Muscular Dystrophy Type 1A (MDC1A). Identifiers: Orphanet 258, MedGen C1263858, MONDO:0011925, OMIM 607855.
Muscular dystrophy, limb-girdle, autosomal recessive 23. Identifiers: Orphanet 565837, MedGen C4748327, MONDO:0029136, OMIM 618138.
LAMA2-related disorder. Also called: LAMA2-related disorders; LAMA2-related condition.
LAMA2-related muscular dystrophy (LAMA2-RD). Also called: Laminin alpha 2-related dystrophy. Identifiers: MedGen C5679788, MONDO:0100228.

Allele frequency attached by ClinVar (database versions not stated): ExAC 0.00001; gnomAD 0.00001; gnomAD exomes 0.00001; TOPMed 0.00003.
gnomAD v4.1: 14 of 1,611,348 alleles (0.00087%); highest among the groups gnomAD compares: African/African-American, 0.0013%; no homozygotes.

Submissions (12):

GeneDx
Classification: Pathogenic. Last evaluated: 2026-03-30. Review status: criteria provided, single submitter. Criteria: GeneDx Variant Classification Process June 2021. Collection method: clinical testing. Allele origin: germline. Affected: yes.
Comment: RT-PCR studies indicate that this variant leads to complete skipping of exon 58 in the LAMA2 gene and results in a significant decrease in mRNA levels (PMID: 17949279); Canonical splice site variant predicted to result in a null allele in a gene for which loss-of-function is a known mechanism of disease; Not observed at a significant frequency in large population cohorts (gnomAD); This variant is associated with the following publications: (PMID: 39843441, 25525159, 30055037, 20207543, 18700894, 19388593, 39181022, 38747280, 39213089, 17949279, 38962616)

Labcorp Genetics (formerly Invitae), Labcorp
Classification: Pathogenic for LAMA2-related muscular dystrophy. Last evaluated: 2025-09-25. Review status: criteria provided, single submitter. Criteria: Invitae Variant Classification Sherloc (09022015). Collection method: clinical testing. Allele origin: germline.
Comment: This sequence change affects a donor splice site in intron 58 of the LAMA2 gene. RNA analysis indicates that disruption of this splice site induces altered splicing and may result in an absent or altered protein product. This variant is present in population databases (rs749522728, gnomAD 0.0009%). Disruption of this splice site has been observed in individuals with congenital muscular dystrophy (PMID: 17949279, 19388593, 20207543, 30055037). This variant is also known as IVS58+1G>A. ClinVar contains an entry for this variant (Variation ID: 550992). Studies have shown that disruption of this splice site results in skipping of exon 58, and produces a non-functional protein and/or introduces a premature termination codon (PMID: 17949279). For these reasons, this variant has been classified as Pathogenic.

3billion
Classification: Pathogenic for Merosin deficient congenital muscular dystrophy. Last evaluated: 2025-06-09. Review status: criteria provided, single submitter. Criteria: ACMG Guidelines, 2015. Collection method: clinical testing. Allele origin: germline. Affected: yes.
Comment: The variant is observed at an extremely low frequency in the gnomAD v4.1.0 dataset (total allele frequency: <0.001%). Predicted Consequence/Location: Canonical splice site: predicted to alter splicing and result in a loss or disruption of normal protein function. Multiple pathogenic loss-of-function variants are reported downstream of the variant. The variant has been reported at least twice as pathogenic with clinical assertions and evidence for the classification (ClinVar ID: VCV000550992 /PMID: 17949279 /3billion dataset). Therefore, this variant is classified as Pathogenic according to the recommendation of ACMG/AMP guideline.

Dasa
Classification: Pathogenic. Last evaluated: 2025-01-23. Review status: criteria provided, single submitter. Criteria: DASA Assertion Criteria. Collection method: clinical testing. Allele origin: germline.
Comment: NM_000426.4(LAMA2):c.8244+1G>A introduces a premature termination codon predicted to result in loss of normal protein function. Loss-of-function is an established mechanism of disease for this gene. This variant has been observed in affected individuals with related phenotype in a genotype context consistent with recessive disease (PMID: 17949279; PMID: 19388593; PMID: 20207543; PMID: 30055037). This variant has been recurrently observed in individuals with related phenotype (PMID: 17949279; PMID: 19388593; PMID: 20207543; PMID: 30055037). The variant is present at low frequency in population datasets. Based on the available data, this variant is classified as pathogenic.

Revvity Omics, Revvity
Classification: Pathogenic. Last evaluated: 2024-10-28. Review status: criteria provided, single submitter. Criteria: ACMG Guidelines, 2015. Collection method: clinical testing. Allele origin: germline.

Baylor Genetics
Classification: Pathogenic for Merosin deficient congenital muscular dystrophy. Last evaluated: 2024-03-20. Review status: criteria provided, single submitter. Criteria: ACMG Guidelines, 2015. Collection method: clinical testing. Allele origin: unknown.

Blueprint Genetics
Classification: Pathogenic for LAMA2-related disorders. Last evaluated: 2021-06-02. Review status: criteria provided, single submitter. Criteria: ACMG Guidelines, 2015. Collection method: clinical testing. Allele origin: germline. Affected: yes. Observed: 1 variant allele.

Mendelics
Classification: Pathogenic for Merosin deficient congenital muscular dystrophy. Last evaluated: 2019-05-28. Review status: criteria provided, single submitter. Criteria: Mendelics Assertion Criteria 2017. Collection method: clinical testing. Allele origin: unknown.

Fulgent Genetics
Classification: Likely pathogenic for Merosin deficient congenital muscular dystrophy; Muscular dystrophy, limb-girdle, autosomal recessive 23. Last evaluated: 2018-10-31. Review status: criteria provided, single submitter. Criteria: ACMG Guidelines, 2015. Collection method: clinical testing. Allele origin: unknown.

Juno Genomics, Hangzhou Juno Genomics, Inc
Classification: Pathogenic for Merosin deficient congenital muscular dystrophy; Muscular dystrophy, limb-girdle, autosomal recessive 23. Review status: criteria provided, single submitter. Criteria: ACMG Guidelines, 2015. Collection method: clinical testing. Allele origin: germline.
Comment: Absent from controls (or at extremely low frequency if recessive) in Genome Aggregation Database.;Null variant in a gene where loss of function (LOF) is a known mechanism of disease.;For recessive disorders, detected in trans with a pathogenic variant.

Counsyl
Classification: Pathogenic for Merosin deficient congenital muscular dystrophy. Last evaluated: 2017-03-23. Review status: no assertion criteria provided. Collection method: clinical testing. Allele origin: unknown. Not counted in ClinVar's aggregate classification.

Dr. Peter K. Rogan Lab, Western University
No classification provided (evidence only). Condition: Ovarian serous cystadenocarcinoma. Review status: no classification provided. Collection method: in vitro. Allele origin: not applicable. Functional consequence: retained intron. Not counted in ClinVar's aggregate classification.

Literature cited by the submitters: PubMed 17949279 (cited by 4 submitters); PubMed 19388593 (cited by Labcorp Genetics (formerly Invitae), Labcorp and Dasa); PubMed 20207543 (cited by 3 submitters); PubMed 30055037 (cited by Labcorp Genetics (formerly Invitae), Labcorp and Dasa); PubMed 25525159 (cited by Counsyl).